The following is an entry in ClinVar:

ClinVar aggregate classification (germline): Likely benign (1 of 4 stars; one submission).

gnomAD v4.1: 76 of 1,614,192 alleles (0.0047%); highest among the groups gnomAD compares: African/African-American, 0.017%; no homozygotes.

Submission:

CeGaT Center for Human Genetics Tuebingen
Classification: Likely benign. Last evaluated: 2026-06-01. Review status: criteria provided, single submitter. Criteria: CeGaT Center For Human Genetics Tuebingen Variant Classification Criteria Version 2. Collection method: clinical testing. Allele origin: germline. Affected: yes. Observed: 2 variant alleles.
Comment: TRIM71: BP4, BP7

NM_001039111.3(TRIM71):c.1758C>T (p.Tyr586=)

Gene: TRIM71 (tripartite motif containing 71; plus strand). Cytogenetic location: 3p22.3.
Variant type: single nucleotide variant.
Coding change: c.1758C>T on transcript NM_001039111.3 (MANE Select); coding-DNA position 1758, C replaced by T.
Protein change: p.Tyr586=; no amino-acid change (tyrosine 586 retained).
Molecular consequence: synonymous variant.
Genome position (GRCh38, 1-based): chr3:32,890,962, C>T. VCF-style: chr3-32890962-C-T. GRCh37 (hg19) VCF-style: chr3-32932454-C-T.
Identifiers: ClinVar variation 4681724 (VCV004681724.5).
Genomic context (GRCh38, chr3:32,890,962, plus strand): 5'-GTGCAACCAGCACATTGAGAACAGCCCTTTCAAGGTGGTGGTCAAGTCAGGCCGCAGCTA[C>T]GTGGGCATTGGGCTCCCGGGCCTGAGCTTCGGCAGTGAGGGTGACAGCGATGGCAAGCTC-3'
Protein context (NP_001034200.1, residues 576-596): FKVVVKSGRS[Tyr586=]VGIGLPGLSF